The following is an entry in ClinVar:

ClinVar aggregate classification (germline): Pathogenic (1 of 4 stars; one submission).

Conditions:
Spongy degeneration of central nervous system. Also called: Canavan disease; Von Bogaert-Bertrand disease; ACY2 DEFICIENCY; AMINOACYLASE 2 DEFICIENCY; ASP DEFICIENCY; ASPA DEFICIENCY. Identifiers: Orphanet 141, MedGen C0206307, MONDO:0010079, OMIM 271900.

Submission:

Labcorp Genetics (formerly Invitae), Labcorp
Classification: Pathogenic for Spongy degeneration of central nervous system. Last evaluated: 2023-11-01. Review status: criteria provided, single submitter. Criteria: Invitae Variant Classification Sherloc (09022015). Collection method: clinical testing. Allele origin: unknown.
Comment: This variant results in the deletion of exon 6 and part of exon 5 (c.707_*236del) of the ASPA gene. While this deletion is not anticipated to lead to nonsense mediated decay, it is expected to alter mRNA translation or result in a truncated protein product. This variant has not been reported in the literature in individuals affected with ASPA-related conditions. This variant disrupts a region of the ASPA protein in which other variant(s) (p.His244Arg) have been determined to be pathogenic (PMID: 12638939, 16854607). This suggests that this is a clinically significant region of the protein, and that variants that disrupt it are likely to be disease-causing. For these reasons, this variant has been classified as Pathogenic.

Literature cited by the submitters: PubMed 12638939; PubMed 16854607.

NC_000017.10:g.(?_3397716)_(3402618_?)del

Gene: ASPA (aspartoacylase; plus strand). Cytogenetic location: 17p13.2.
Variant type: Deletion.
Identifiers: ClinVar variation 3242936 (VCV003242936.1).